The following is an entry in ClinVar:

ClinVar aggregate classification (germline): Uncertain significance (1 of 4 stars; one submission).

Allele frequency attached by ClinVar (database versions not stated): ExAC 0.00001; TOPMed 0.00001; gnomAD 0.00003.
gnomAD v4.1: 24 of 1,613,362 alleles (0.0015%); highest among the groups gnomAD compares: Non-Finnish European, 0.0019%; no homozygotes.

Submission:

Labcorp Genetics (formerly Invitae), Labcorp
Classification: Uncertain significance. Last evaluated: 2024-09-17. Review status: criteria provided, single submitter. Criteria: Invitae Variant Classification Sherloc (09022015). Collection method: clinical testing. Allele origin: germline.
Comment: This sequence change replaces valine, which is neutral and non-polar, with leucine, which is neutral and non-polar, at codon 51 of the GHSR protein (p.Val51Leu). The frequency data for this variant in the population databases is considered unreliable, as metrics indicate poor data quality at this position in the gnomAD database. This variant has not been reported in the literature in individuals affected with GHSR-related conditions. Invitae Evidence Modeling of protein sequence and biophysical properties (such as structural, functional, and spatial information, amino acid conservation, physicochemical variation, residue mobility, and thermodynamic stability) indicates that this missense variant is not expected to disrupt GHSR protein function with a negative predictive value of 80%. In summary, the available evidence is currently insufficient to determine the role of this variant in disease. Therefore, it has been classified as a Variant of Uncertain Significance.

NM_198407.2(GHSR):c.151G>T (p.Val51Leu)

Gene: GHSR (growth hormone secretagogue receptor; minus strand). Cytogenetic location: 3q26.31.
Variant type: single nucleotide variant.
Coding change: c.151G>T on transcript NM_198407.2 (MANE Select); coding-DNA position 151, G replaced by T.
Protein change: p.Val51Leu; replaces valine 51 with leucine.
Molecular consequence: missense variant.
Genome position (GRCh38, 1-based): chr3:172,448,263, C>A on the plus strand (G>T on the coding strand, the complement: GHSR is on the minus strand). VCF-style: chr3-172448263-C-A. GRCh37 (hg19) VCF-style: chr3-172166053-C-A.
Other names: c.151G>T, p.Val51Leu (NM_004122.2); short protein forms V51L.
Identifiers: ClinVar variation 2747325 (VCV002747325.3), dbSNP rs200515071, ClinGen allele CA2706522.